The following is an entry in ClinVar:

NM_020693.4(DSCAML1):c.5260C>G (p.Gln1754Glu)

Gene: DSCAML1 (DS cell adhesion molecule like 1; minus strand). Cytogenetic location: 11q23.3.
Variant type: single nucleotide variant.
Coding change: c.5260C>G on transcript NM_020693.4 (MANE Select); coding-DNA position 5260, C replaced by G.
Protein change: p.Gln1754Glu; replaces glutamine 1754 with glutamic acid.
Molecular consequence: missense variant.
Genome position (GRCh38, 1-based): chr11:117,431,648, G>C on the plus strand (C>G on the coding strand, the complement: DSCAML1 is on the minus strand). VCF-style: chr11-117431648-G-C. GRCh37 (hg19) VCF-style: chr11-117302364-G-C.
Other names: short protein forms Q1754E.
Identifiers: ClinVar variation 2797199 (VCV002797199.3), dbSNP rs756198464, ClinGen allele CA6296119.

ClinVar aggregate classification (germline): Uncertain significance (1 of 4 stars; one submission).

Allele frequency attached by ClinVar (database versions not stated): gnomAD exomes below 0.00001; ExAC 0.00001; gnomAD 0.00002; TOPMed 0.00002.
gnomAD v4.1: 4 of 1,613,204 alleles (0.00025%); highest among the groups gnomAD compares: African/African-American, 0.0053%; no homozygotes.

Submission:

Labcorp Genetics (formerly Invitae), Labcorp
Classification: Uncertain significance. Last evaluated: 2023-12-13. Review status: criteria provided, single submitter. Criteria: Invitae Variant Classification Sherloc (09022015). Collection method: clinical testing. Allele origin: germline.
Comment: This sequence change replaces glutamine, which is neutral and polar, with glutamic acid, which is acidic and polar, at codon 1814 of the DSCAML1 protein (p.Gln1814Glu). This variant is present in population databases (rs756198464, gnomAD 0.008%). This variant has not been reported in the literature in individuals affected with DSCAML1-related conditions. An algorithm developed to predict the effect of missense changes on protein structure and function (PolyPhen-2) suggests that this variant is likely to be tolerated. In summary, the available evidence is currently insufficient to determine the role of this variant in disease. Therefore, it has been classified as a Variant of Uncertain Significance.